The following is an entry in ClinVar:

NM_015559.3(SETBP1):c.1179T>G (p.Pro393=)

Gene: SETBP1 (SET binding protein 1; plus strand). Cytogenetic location: 18q12.3.
Variant type: single nucleotide variant.
Coding change: c.1179T>G on transcript NM_015559.3 (MANE Select); coding-DNA position 1179, T replaced by G.
Protein change: p.Pro393=; no amino-acid change (proline 393 retained).
Molecular consequence: synonymous variant.
Genome position (GRCh38, 1-based): chr18:44,950,519, T>G. VCF-style: chr18-44950519-T-G. GRCh37 (hg19) VCF-style: chr18-42530484-T-G.
Other names: c.1179T>G, p.Pro393= (NM_001379141.1, NM_001379142.1, NM_001410862.1).
Identifiers: ClinVar variation 4681539 (VCV004681539.5).

ClinVar aggregate classification (germline): Likely benign (1 of 4 stars; one submission).

Submission:

CeGaT Center for Human Genetics Tuebingen
Classification: Likely benign. Last evaluated: 2026-04-01. Review status: criteria provided, single submitter. Criteria: CeGaT Center For Human Genetics Tuebingen Variant Classification Criteria Version 2. Collection method: clinical testing. Allele origin: germline. Affected: yes. Observed: 3 variant alleles.
Comment: SETBP1: PM2:Supporting, BP4, BP7